The following is an entry in ClinVar:

ClinVar aggregate classification (germline): Benign (1 of 4 stars; one submission).

Submission:

CeGaT Center for Human Genetics Tuebingen
Classification: Benign. Last evaluated: 2025-02-01. Review status: criteria provided, single submitter. Criteria: CeGaT Center For Human Genetics Tuebingen Variant Classification Criteria Version 2. Collection method: clinical testing. Allele origin: germline. Affected: yes. Observed: 1 variant allele.
Comment: BEAN1: BS1, BS2

NM_001197224.4(BEAN1):c.152-2525A>C

Gene: BEAN1 (brain expressed associated with NEDD4 1; plus strand). Cytogenetic location: 16q21.
Variant type: single nucleotide variant.
Coding change: c.152-2525A>C on transcript NM_001197224.4; 2525 bases into the intron before coding-DNA position 152, A replaced by C.
Molecular consequence: intron variant.
Genome position (GRCh38, 1-based): chr16:66,490,437, A>C. VCF-style: chr16-66490437-A-C. GRCh37 (hg19) VCF-style: chr16-66524340-A-C.
Identifiers: ClinVar variation 3772000 (VCV003772000.13).